The following is an entry in ClinVar:

NM_032043.2(BRIP1):c.505_506insAlu

Gene: BRIP1 (BRCA1 interacting DNA helicase 1; minus strand). Cytogenetic location: 17q23.2.
Variant type: Insertion.
Coding change: c.505_506insAlu on transcript NM_032043.2; coding-DNA positions 505 to 506, an insertion.
Other names: NM_032043.2:c.505_506insALU.
Identifiers: ClinVar variation 224938 (VCV000224938.2).

ClinVar aggregate classification (germline): Likely pathogenic (1 of 4 stars; one submission).

Conditions:
Familial cancer of breast. Also called: hereditary breast carcinoma; BREAST CANCER, FAMILIAL; Hereditary breast cancer. Identifiers: Orphanet 227535, MedGen C0346153, MONDO:0016419, OMIM 114480. Disease mechanism: loss of function.

Submission:

Labcorp Genetics (formerly Invitae), Labcorp
Classification: Likely pathogenic for Familial cancer of breast. Last evaluated: 2015-08-04. Review status: criteria provided, single submitter. Criteria: Invitae Variant Classification Sherloc (09022015). Collection method: clinical testing. Allele origin: germline.
Comment: This sequence change inserts a 357 nucleotide AluY element in exon 5 of the BRIP1 mRNA (c.505_506insAluY). This is predicted to result in a premature translational stop signal (p.Gln169_Argfs*32) and is expected to result in an absent or disrupted protein product; however, the effects of an insertion this large on mRNA processing are difficult to predict. While this particular sequence change has not been reported in the literature, truncating sequence changes in BRIP1 are known to be pathogenic (PMID: 16116423, 17033622, 21964575). For these reasons, this variant has been classified as Likely Pathogenic.